The following is an entry in ClinVar:

NM_015102.5(NPHP4):c.3148del (p.Gln1050fs)

Gene: NPHP4 (nephrocystin 4; minus strand). Cytogenetic location: 1p36.31.
Variant type: Deletion.
Coding change: c.3148del on transcript NM_015102.5 (MANE Select); coding-DNA position 3148, one base deleted (C; older notation c.3148delC).
Protein change: p.Gln1050fs; shifts the reading frame from glutamine 1050.
Molecular consequence: frameshift variant. On other transcripts: non-coding transcript variant (1).
Genome position (GRCh38, 1-based): chr1:5,874,554, G deleted on the plus strand (C on the coding strand, the reverse complement: NPHP4 is on the minus strand); the first of 6 consecutive G bases (chr1:5,874,554-5,874,559); deleting any one gives the same sequence. VCF-style (leftmost placement, unchanged base first): chr1-5874553-TG-T. GRCh37 (hg19) VCF-style: chr1-5934613-TG-T.
Other names: c.1609del, p.Gln537fs (NM_001291593.2); c.1612del, p.Gln538fs (NM_001291594.2); short protein forms Q537fs, Q538fs, Q1050fs.
Identifiers: ClinVar variation 2719506 (VCV002719506.4), dbSNP rs2100620614, ClinGen allele CA2642905109.
Genomic context (GRCh38, chr1:5,874,553, plus strand): 5'-GCAGAGAAGCTCTGGAACTTGAAGGGGACGTGGGCGGTCTCGTGGGGGCGCAGGTAGAGC[TG>T]GGGGGCCAGGCTGCCACGCAGGTGGAACATGTCCTCCTCCACCGGTGTGTGCAGGCCAGC-3'

ClinVar aggregate classification (germline): Pathogenic/Likely pathogenic. Review status: criteria provided, multiple submitters, no conflicts (2 of 4 stars). 2 submissions from 2 submitters: Pathogenic (1); Likely pathogenic (1). Last evaluated 2024-06-04.

Conditions:
Nephronophthisis. Also called: Juvenile Nephronophthisis. Identifiers: Orphanet 655, MedGen C0687120, MONDO:0019005, HP:0000090.
Nephronophthisis 4 (NPHP4). Also called: NEPHRONOPHTHISIS 4, JUVENILE. Identifiers: Orphanet 655, MedGen C1847013, MONDO:0011752, OMIM 606966.
Senior-Loken syndrome 4 (SLSN4). Identifiers: Orphanet 3156, MedGen C1846979, MONDO:0011756, OMIM 606996.

Submissions (2):

Fulgent Genetics
Classification: Likely pathogenic for Nephronophthisis 4; Senior-Loken syndrome 4. Last evaluated: 2024-06-04. Review status: criteria provided, single submitter. Criteria: ACMG Guidelines, 2015. Collection method: clinical testing. Allele origin: germline.

Labcorp Genetics (formerly Invitae), Labcorp
Classification: Pathogenic for Nephronophthisis. Last evaluated: 2023-09-01. Review status: criteria provided, single submitter. Criteria: Invitae Variant Classification Sherloc (09022015). Collection method: clinical testing. Allele origin: germline.
Comment: This sequence change creates a premature translational stop signal (p.Gln1050Serfs*33) in the NPHP4 gene. It is expected to result in an absent or disrupted protein product. Loss-of-function variants in NPHP4 are known to be pathogenic (PMID: 12205563, 23559409). This variant is not present in population databases (gnomAD no frequency). This variant has not been reported in the literature in individuals affected with NPHP4-related conditions. For these reasons, this variant has been classified as Pathogenic.

Literature cited by the submitters: PubMed 12205563 (cited by Labcorp Genetics (formerly Invitae), Labcorp); PubMed 23559409 (cited by Labcorp Genetics (formerly Invitae), Labcorp).